The following is an entry in ClinVar:

NM_003954.5(MAP3K14):c.41C>T (p.Ser14Leu)

Gene: MAP3K14 (mitogen-activated protein kinase kinase kinase 14; minus strand). Cytogenetic location: 17q21.31.
Variant type: single nucleotide variant.
Coding change: c.41C>T on transcript NM_003954.5 (MANE Select); coding-DNA position 41, C replaced by T.
Protein change: p.Ser14Leu; replaces serine 14 with leucine.
Molecular consequence: missense variant.
Genome position (GRCh38, 1-based): chr17:45,290,705, G>A on the plus strand (C>T on the coding strand, the complement: MAP3K14 is on the minus strand). VCF-style: chr17-45290705-G-A. GRCh37 (hg19) VCF-style: chr17-43368071-G-A.
Other names: short protein forms S14L.
Identifiers: ClinVar variation 2165774 (VCV002165774.2), dbSNP rs768335568, ClinGen allele CA8614458.

ClinVar aggregate classification (germline): Uncertain significance (1 of 4 stars; one submission).

Conditions:
NIK deficiency. Also called: Primary immunodeficiency with multifaceted aberrant lymphoid immunity. Identifiers: Orphanet 447731, MedGen C5680065, MONDO:0018642.

Allele frequency attached by ClinVar (database versions not stated): gnomAD exomes 0.00001; ExAC 0.00002.
gnomAD v4.1: 12 of 1,613,372 alleles (0.00074%); highest among the groups gnomAD compares: South Asian, 0.011%; no homozygotes.

Submission:

Labcorp Genetics (formerly Invitae), Labcorp
Classification: Uncertain significance for NIK deficiency. Last evaluated: 2022-02-11. Review status: criteria provided, single submitter. Criteria: Invitae Variant Classification Sherloc (09022015). Collection method: clinical testing. Allele origin: germline.
Comment: This sequence change replaces serine, which is neutral and polar, with leucine, which is neutral and non-polar, at codon 14 of the MAP3K14 protein (p.Ser14Leu). In summary, the available evidence is currently insufficient to determine the role of this variant in disease. Therefore, it has been classified as a Variant of Uncertain Significance. Experimental studies and prediction algorithms are not available or were not evaluated, and the functional significance of this variant is currently unknown. This variant has not been reported in the literature in individuals affected with MAP3K14-related conditions. This variant is present in population databases (rs768335568, gnomAD 0.01%).